The following is an entry in ClinVar:

ClinVar aggregate classification (germline): Uncertain significance. Review status: criteria provided, single submitter (1 of 4 stars). 2 submissions from 2 submitters: Uncertain significance (1). 1 of the submissions does not count toward it. Last evaluated 2022-05-15.

Conditions:
Metaphyseal chondrodysplasia, McKusick type (CHH). Also called: Cartilage-hair hypoplasia; Cartilage-Hair Hypoplasia (CHH). Identifiers: Orphanet 175, MedGen C0220748, MONDO:0009595, OMIM 250250.
Anauxetic dysplasia. Identifiers: Orphanet 93347, MedGen C1846796, MONDO:0011773.

Allele frequency attached by ClinVar (database versions not stated): TOPMed 0.00002; gnomAD 0.00005.
gnomAD v4.1: 12 of 695,170 alleles (0.0017%); highest among the groups gnomAD compares: African/African-American, 0.013%; no homozygotes.

Submissions (2):

Labcorp Genetics (formerly Invitae), Labcorp
Classification: Uncertain significance for Anauxetic dysplasia. Last evaluated: 2022-05-15. Review status: criteria provided, single submitter. Criteria: Invitae Variant Classification Sherloc (09022015). Collection method: clinical testing. Allele origin: germline.
Comment: This variant occurs in the RMRP gene, which encodes an RNA molecule that does not result in a protein product. This variant is present in population databases (no rsID available, gnomAD 0.01%). This variant has not been reported in the literature in individuals affected with RMRP-related conditions. ClinVar contains an entry for this variant (Variation ID: 576788). Experimental studies and prediction algorithms are not available or were not evaluated, and the functional significance of this variant is currently unknown. In summary, the available evidence is currently insufficient to determine the role of this variant in disease. Therefore, it has been classified as a Variant of Uncertain Significance.

Natera, Inc.
Classification: Uncertain significance for Cartilage-hair hypoplasia. Last evaluated: 2021-07-26. Review status: no assertion criteria provided. Collection method: clinical testing. Allele origin: germline. Not counted in ClinVar's aggregate classification.

NR_003051.4(RMRP):n.139C>T

Gene: RMRP (RNA component of mitochondrial RNA processing endoribonuclease; minus strand). Cytogenetic location: 9p13.3.
Variant type: single nucleotide variant.
Genome position: GRCh38 VCF-style: chr9-35657881-G-A. GRCh37 (hg19) VCF-style: chr9-35657878-G-A.
Identifiers: ClinVar variation 576788 (VCV000576788.8), dbSNP rs928825069, ClinGen allele CA192745607.
Genomic context (GRCh38, chr9:35,657,881, plus strand): 5'-CTGACGGATGACGCCCCCGCGCCACGCCGCTCAGCGGGATACGCTTCTTGGCGGACTTTG[G>A]AGTGGGAAGCGGGGAATGTCTACGTGCGTATGCACGTGGCACTCTCTGCCCGAGGTCCGG-3'